The following is an entry in ClinVar:

NM_000843.4(GRM6):c.2066del (p.Pro689fs)

Genes: GRM6 (glutamate metabotropic receptor 6; minus strand), ZNF454 (zinc finger protein 454; plus strand). Cytogenetic location: 5q35.3.
Variant type: Deletion.
Coding change: c.2066del on transcript NM_000843.4 (MANE Select); coding-DNA position 2066, one base deleted (C; older notation c.2066delC).
Protein change: p.Pro689fs; shifts the reading frame from proline 689.
Molecular consequence: frameshift variant.
Genome position (GRCh38, 1-based): chr5:178,986,188, G deleted on the plus strand (C on the coding strand, the reverse complement: GRM6 is on the minus strand); the first of 5 consecutive G bases (chr5:178,986,188-178,986,192); deleting any one gives the same sequence. VCF-style (leftmost placement, unchanged base first): chr5-178986187-AG-A. GRCh37 (hg19) VCF-style: chr5-178413188-AG-A.
Other names: short protein forms P689fs.
Identifiers: ClinVar variation 1323039 (VCV001323039.12), dbSNP rs755967391, ClinGen allele CA3593839.

ClinVar aggregate classification (germline): Pathogenic/Likely pathogenic. Review status: criteria provided, multiple submitters, no conflicts (2 of 4 stars). 5 submissions from 5 submitters: Pathogenic (2); Likely pathogenic (3). Last evaluated 2025-08-11.

Conditions:
GRM6-related disorders.
Congenital stationary night blindness 1B. Also called: NIGHT BLINDNESS, CONGENITAL STATIONARY, COMPLETE, AUTOSOMAL RECESSIVE; Night blindness, congenital stationary (complete), 1B, autosomal recessive. Identifiers: Orphanet 215, MedGen C1850362, MONDO:0009758, OMIM 257270.
GRM6-related disorder. Also called: GRM6-related condition.

Submissions (5):

Labcorp Genetics (formerly Invitae), Labcorp
Classification: Pathogenic. Last evaluated: 2025-08-11. Review status: criteria provided, single submitter. Criteria: Invitae Variant Classification Sherloc (09022015). Collection method: clinical testing. Allele origin: germline.
Comment: This sequence change creates a premature translational stop signal (p.Pro689Leufs*24) in the GRM6 gene. It is expected to result in an absent or disrupted protein product. Loss-of-function variants in GRM6 are known to be pathogenic (PMID: 15781871, 16622103, 22008250). This variant is present in population databases (rs755967391, gnomAD 0.06%). This premature translational stop signal has been observed in individual(s) with congenital stationary night blindness (PMID: 22008250). This variant is also known as c.2062delC. ClinVar contains an entry for this variant (Variation ID: 1323039). For these reasons, this variant has been classified as Pathogenic.

PreventionGenetics, part of Exact Sciences
Classification: Pathogenic for GRM6-related condition. Last evaluated: 2025-05-06. Review status: criteria provided, single submitter. Criteria: ACMG Guidelines, 2015. Collection method: clinical testing. Allele origin: germline.
Comment: The GRM6 c.2066delC variant is predicted to result in a frameshift and premature protein termination (p.Pro689Leufs*24). This variant has been reported with a likely pathogenic missense variant c.824G>A (p.Gly275Asp) in an individual with clinical and electrophysiological findings suggestive of autosomal recessive congenital stationary night blindness (Sergouniotis et al. 2012. PubMed ID: 22008250). This variant is reported in 0.059% of alleles in individuals of South Asian descent in gnomAD. Frameshift variants in GRM6 are expected to be pathogenic. This variant is interpreted as pathogenic.

Revvity Omics, Revvity
Classification: Likely pathogenic for Congenital stationary night blindness 1B. Last evaluated: 2023-09-11. Review status: criteria provided, single submitter. Criteria: ACMG Guidelines, 2015. Collection method: clinical testing. Allele origin: germline.

Blueprint Genetics
Classification: Likely pathogenic for GRM6-related disorders. Last evaluated: 2022-06-17. Review status: criteria provided, single submitter. Criteria: ACMG Guidelines, 2015. Collection method: clinical testing. Allele origin: germline. Affected: yes. Observed: 2 variant alleles.

MGZ Medical Genetics Center
Classification: Likely pathogenic for Congenital stationary night blindness 1B. Last evaluated: 2021-12-13. Review status: criteria provided, single submitter. Criteria: ACMG Guidelines, 2015. Collection method: clinical testing. Allele origin: germline. Affected: yes. Observed: 1 variant allele.
Comment: ACMG criteria applied: PVS1, PM2_SUP

Literature cited by the submitters: PubMed 15781871 (cited by Labcorp Genetics (formerly Invitae), Labcorp); PubMed 16622103 (cited by Labcorp Genetics (formerly Invitae), Labcorp); PubMed 22008250 (cited by Labcorp Genetics (formerly Invitae), Labcorp).